The following is an entry in ClinVar:

ClinVar aggregate classification (germline): Conflicting classifications of pathogenicity. Review status: criteria provided, conflicting classifications (1 of 4 stars). 4 submissions from 4 submitters: Uncertain significance (1); Likely benign (2). 1 of the submissions does not count toward it. Last evaluated 2025-02-13.

Allele frequency attached by ClinVar (database versions not stated): gnomAD 0.00009 and 0.00021; TOPMed 0.00009; ESP Exome Variant Server 0.00044; gnomAD exomes 0.00044; ExAC 0.00098; 1000 Genomes Project 0.00160; 1000 Genomes Project 30x 0.00203.
gnomAD v4.1: 345 of 1,537,192 alleles (0.022%); highest among the groups gnomAD compares: South Asian, 0.29%; 5 homozygotes.

Submissions (4):

Labcorp Genetics (formerly Invitae), Labcorp
Classification: Likely benign. Last evaluated: 2025-02-13. Review status: criteria provided, single submitter. Criteria: Invitae Variant Classification Sherloc (09022015). Collection method: clinical testing. Allele origin: germline.

Revvity Omics, Revvity
Classification: Uncertain significance. Last evaluated: 2019-12-06. Review status: criteria provided, single submitter. Criteria: ACMG Guidelines, 2015. Collection method: clinical testing. Allele origin: germline.

Breakthrough Genomics
Classification: Likely benign. Review status: criteria provided, single submitter. Criteria: ACMG Guidelines, 2015. Collection method: not provided. Allele origin: germline. Inheritance: Autosomal recessive inheritance. Affected: yes.

Department of Pathology and Laboratory Medicine, Sinai Health System
Classification: Likely benign. Review status: no assertion criteria provided. Collection method: clinical testing. Allele origin: unknown. Affected: yes. Study: The Canadian Open Genetics Repository (COGR). Not counted in ClinVar's aggregate classification.
Comment: The PIEZO2 p.A336T variant was not identified in the literature but was identified in dbSNP (ID: rs368601054) and ClinVar (classified as likely benign by Invitae). The variant was identified in control databases in 64 of 175860 chromosomes (1 homozygous) at a frequency of 0.0003639, and was observed at the highest frequency in the South Asian population in 53 of 22730 chromosomes (freq: 0.002332) (Genome Aggregation Database March 6, 2019, v2.1.1). The p.A336 residue is not conserved in mammals and computational analyses (MUT Assesor, PolyPhen-2, SIFT, MutationTaster, Revel, FATHMM, MetaLR, DANN) do not suggest a high likelihood of impact to the protein; this information is not very predictive of pathogenicity. The variant occurs outside of the splicing consensus sequence and in silico or computational prediction software programs (Splice AI exome) do not predict a deleterious effect on splicing. In summary, based on the above information the clinical significance of this variant cannot be determined with certainty at this time although we would lean towards a more benign role for this variant. This variant is classified as likely benign.

NM_001378183.1(PIEZO2):c.1006G>A (p.Ala336Thr)

Gene: PIEZO2 (piezo type mechanosensitive ion channel component 2; minus strand). Cytogenetic location: 18p11.22.
Variant type: single nucleotide variant.
Coding change: c.1006G>A on transcript NM_001378183.1 (MANE Select); coding-DNA position 1006, G replaced by A.
Protein change: p.Ala336Thr; replaces alanine 336 with threonine.
Molecular consequence: missense variant.
Genome position (GRCh38, 1-based): chr18:10,807,186, C>T on the plus strand (G>A on the coding strand, the complement: PIEZO2 is on the minus strand). VCF-style: chr18-10807186-C-T. GRCh37 (hg19) VCF-style: chr18-10807184-C-T.
Other names: c.1006G>A, p.Ala336Thr (NM_022068.4); short protein forms A336T.
Identifiers: ClinVar variation 746560 (VCV000746560.9), dbSNP rs368601054, ClinGen allele CA8892791.
Genomic context (GRCh38, chr18:10,807,186, plus strand): 5'-GCCAGATGCGGATCAGAGTGGCCAGAGTGTAGTACATCACCAGCAGGAGGATAGGGTTGG[C>T]GTGGTGGTACCACGACAGGTCCGGGTTCACTATGATCTTCCAAGTACTTGAACAGTCCGT-3'
Protein context (NP_001365112.1, residues 326-346): VNPDLSWYHH[Ala336Thr]NPILLLVMYY